The following is an entry in ClinVar:

ClinVar aggregate classification (germline): Uncertain significance (1 of 4 stars; one submission).

Conditions:
Hereditary cancer-predisposing syndrome. Also called: Neoplastic Syndromes, Hereditary; Tumor predisposition; Hereditary Cancer Syndrome; Hereditary neoplastic syndrome. Identifiers: Orphanet 140162, MedGen C0027672, MeSH D009386, MONDO:0015356.

Submission:

Ambry Genetics
Classification: Uncertain significance for Hereditary cancer-predisposing syndrome. Last evaluated: 2019-10-28. Review status: criteria provided, single submitter. Criteria: Ambry Variant Classification Scheme 2023. Collection method: clinical testing. Allele origin: germline.
Comment: The p.M605K variant (also known as c.1814T>A), located in coding exon 10 of the DICER1 gene, results from a T to A substitution at nucleotide position 1814. The methionine at codon 605 is replaced by lysine, an amino acid with similar properties. This amino acid position is poorly conserved in available vertebrate species. In addition, this alteration is predicted to be tolerated by in silico analysis. Since supporting evidence is limited at this time, the clinical significance of this alteration remains unclear.

NM_177438.3(DICER1):c.1814T>A (p.Met605Lys)

Gene: DICER1 (dicer 1, ribonuclease III; minus strand). Cytogenetic location: 14q32.13.
Variant type: single nucleotide variant.
Coding change: c.1814T>A on transcript NM_177438.3 (MANE Select); coding-DNA position 1814, T replaced by A.
Protein change: p.Met605Lys; replaces methionine 605 with lysine.
Molecular consequence: missense variant.
Genome position (GRCh38, 1-based): chr14:95,115,760, A>T on the plus strand (T>A on the coding strand, the complement: DICER1 is on the minus strand). VCF-style: chr14-95115760-A-T. GRCh37 (hg19) VCF-style: chr14-95582097-A-T.
Other names: c.1814T>A, p.Met605Lys (NM_001195573.1, NM_001271282.3, NM_001291628.2 and 1 more transcripts); short protein forms M605K.
Identifiers: ClinVar variation 820130 (VCV000820130.4), dbSNP rs1249693564, ClinGen allele CA390884078.
Genomic context (GRCh38, chr14:95,115,760, plus strand): 5'-ACTCGTGGACCACCATCGTCAGGCCTCAACACATATGGTGGGAAAACGTCATCATCATCC[A>T]TGACAGGATCAATGTCAGTCTCACCAGTATCAACCGACTTGGAACACTTGTTTCTCAAGA-3'
Protein context (NP_803187.1, residues 595-615): DTGETDIDPV[Met605Lys]DDDDVFPPYV